The following is an entry in ClinVar:

NM_000204.5(CFI):c.1637G>A (p.Trp546Ter)

Gene: CFI (complement factor I; minus strand). Cytogenetic location: 4q25.
Variant type: single nucleotide variant.
Coding change: c.1637G>A on transcript NM_000204.5 (MANE Select); coding-DNA position 1637, G replaced by A.
Protein change: p.Trp546Ter; replaces tryptophan 546 with a stop codon.
Molecular consequence: nonsense. On other transcripts: non-coding transcript variant (3), intron variant (5).
Genome position (GRCh38, 1-based): chr4:109,741,008, C>T on the plus strand (G>A on the coding strand, the complement: CFI is on the minus strand). VCF-style: chr4-109741008-C-T. GRCh37 (hg19) VCF-style: chr4-110662164-C-T.
Other names: W528*; c.1661G>A, p.Trp554Ter (NM_001318057.2); c.1616G>A, p.Trp539Ter (NM_001331035.2); c.1580G>A, p.Trp527Ter (NM_001375283.1); c.1028G>A, p.Trp343Ter (NM_001375284.1); c.1513+1483G>A (NM_001375282.1, NM_001375280.1); c.1534+1483G>A (NM_001375281.1, NM_001375279.1); c.1558+1483G>A (NM_001375278.1); short protein forms W546*, W554*, W539*, W343*, W527*.
Identifiers: ClinVar variation 12123 (VCV000012123.4), dbSNP rs121964915, ClinGen allele CA256217.

ClinVar aggregate classification (germline): Pathogenic. Review status: criteria provided, single submitter (1 of 4 stars). 2 submissions from 2 submitters: Pathogenic (1). 1 of the submissions does not count toward it. Last evaluated 2025-09-26.

Conditions:
CFI-related disorder. Also called: CFI-related condition; CFI-related disorders. Identifiers: MedGen CN239325.
Atypical hemolytic-uremic syndrome with I factor anomaly. Also called: HEMOLYTIC UREMIC SYNDROME, ATYPICAL, SUSCEPTIBILITY TO, 3; AHUS, SUSCEPTIBILITY TO, 3. Identifiers: Orphanet 2134, MedGen C2752039, MONDO:0013041, OMIM 612923.

gnomAD v4.1: 4 of 1,614,166 alleles (0.00025%); highest among the groups gnomAD compares: Non-Finnish European, 0.00034%; no homozygotes.

Submissions (2):

Genomenon, Inc
Classification: Pathogenic for CFI-related disorder. Last evaluated: 2025-09-26. Review status: criteria provided, single submitter. Criteria: Genomenon Sequence Variant Interpretation Standards - Updated. Collection method: curation. Allele origin: germline. Affected: yes.
Comment: CFI p.Trp546Ter (c.1637G>A) is a nonsense variant that introduces a premature stop codon at amino acid position 546, creating a truncated protein. This variant has been observed in at least one proband affected with a CFI-related disorder (PMID:15173250;32510551). At least one functional study has demonstrated a substantial alteration in protein function relative to the wild-type (PMID:32510551;19877009). It is absent or not present at a significant frequency in gnomAD. In conclusion, we classify CFI p.Trp546Ter (c.1637G>A) as a pathogenic variant.

OMIM
Classification: risk factor for HEMOLYTIC UREMIC SYNDROME, ATYPICAL, SUSCEPTIBILITY TO, 3. Last evaluated: 2004-06-01. Review status: no assertion criteria provided. Collection method: literature only. Allele origin: germline. Not counted in ClinVar's aggregate classification.

Literature cited by the submitters: PubMed 15173250 (cited by Genomenon, Inc and OMIM); 32510551 (cited by Genomenon, Inc); 19877009 (cited by Genomenon, Inc).